The following is an entry in ClinVar:

ClinVar aggregate classification (germline): Uncertain significance (1 of 4 stars; one submission).

Allele frequency attached by ClinVar (database versions not stated): gnomAD exomes 0.00004; ExAC 0.00007; gnomAD 0.00008; TOPMed 0.00009; ESP Exome Variant Server 0.00015; 1000 Genomes Project 30x 0.00031; 1000 Genomes Project 0.00040.
gnomAD v4.1: 72 of 1,614,092 alleles (0.0045%); highest among the groups gnomAD compares: Middle Eastern, 0.033%; no homozygotes.

Submission:

Labcorp Genetics (formerly Invitae), Labcorp
Classification: Uncertain significance. Last evaluated: 2025-03-05. Review status: criteria provided, single submitter. Criteria: Invitae Variant Classification Sherloc (09022015). Collection method: clinical testing. Allele origin: germline.
Comment: This sequence change replaces serine, which is neutral and polar, with leucine, which is neutral and non-polar, at codon 961 of the NIN protein (p.Ser961Leu). This variant is present in population databases (rs184655824, gnomAD 0.03%). This variant has not been reported in the literature in individuals affected with NIN-related conditions. ClinVar contains an entry for this variant (Variation ID: 2200400). An algorithm developed to predict the effect of missense changes on protein structure and function outputs the following: PolyPhen-2: "Benign". The leucine amino acid residue is found in multiple mammalian species, which suggests that this missense change does not adversely affect protein function. In summary, the available evidence is currently insufficient to determine the role of this variant in disease. Therefore, it has been classified as a Variant of Uncertain Significance.

NM_020921.4(NIN):c.2882C>T (p.Ser961Leu)

Gene: NIN (ninein; minus strand). Cytogenetic location: 14q22.1.
Variant type: single nucleotide variant.
Coding change: c.2882C>T on transcript NM_020921.4 (MANE Select); coding-DNA position 2882, C replaced by T.
Protein change: p.Ser961Leu; replaces serine 961 with leucine.
Molecular consequence: missense variant. On other transcripts: intron variant (1).
Genome position (GRCh38, 1-based): chr14:50,758,148, G>A on the plus strand (C>T on the coding strand, the complement: NIN is on the minus strand). VCF-style: chr14-50758148-G-A. GRCh37 (hg19) VCF-style: chr14-51224866-G-A.
Other names: c.2882C>T, p.Ser961Leu (NM_182944.3, NM_182946.2); c.2399+1709C>T (NM_016350.5); short protein forms S961L.
Identifiers: ClinVar variation 2200400 (VCV002200400.4), dbSNP rs184655824, ClinGen allele CA7181846.